The following is an entry in ClinVar:

NM_020738.4(KIDINS220):c.3257_3259del (p.Glu1086del)

Gene: KIDINS220 (kinase D interacting substrate 220; minus strand). Cytogenetic location: 2p25.1.
Variant type: Deletion.
Coding change: c.3257_3259del on transcript NM_020738.4 (MANE Select); coding-DNA positions 3257 to 3259, 3 bases deleted (AGG; older notation c.3257_3259delAGG).
Protein change: p.Glu1086del; deletes glutamic acid 1086.
Molecular consequence: inframe deletion. On other transcripts: non-coding transcript variant (2).
Genome position (GRCh38, 1-based): chr2:8,750,267-8,750,269, CCT deleted on the plus strand (AGG on the coding strand, the reverse complement: KIDINS220 is on the minus strand); deleting any 3 consecutive bases within chr2:8,750,267-8,750,270 gives the same sequence; the c. name uses the placement nearest the transcript's 3' end. VCF-style (leftmost placement, unchanged base first): chr2-8750266-CCCT-C. GRCh37 (hg19) VCF-style: chr2-8890396-CCCT-C.
Other names: c.3260_3262del, p.Glu1087del (NM_001348729.2, NM_001348731.2, NM_001348734.2 and 2 more transcripts); c.3257_3259del, p.Glu1086del (NM_001348732.2, NM_001348735.2, NM_001348738.2 and 3 more transcripts); c.3131_3133del, p.Glu1044del (NM_001348736.2); short protein forms E1044del, E1086del, E1087del.
Identifiers: ClinVar variation 3344675 (VCV003344675.1).

ClinVar aggregate classification (germline): Uncertain significance (0 of 4 stars; one submission).

Conditions:
KIDINS220-related disorder. Also called: KIDINS220-related condition.

Submission:

PreventionGenetics, part of Exact Sciences
Classification: Uncertain significance for KIDINS220-related condition. Last evaluated: 2024-07-25. Review status: no assertion criteria provided. Collection method: clinical testing. Allele origin: germline.
Comment: The KIDINS220 c.3257_3259delAGG variant is predicted to result in an in-frame deletion (p.Glu1086del). To our knowledge, this variant has not been reported in the literature. This variant is reported in 0.012% of alleles in individuals of Latino descent in gnomAD. At this time, the clinical significance of this variant is uncertain due to the absence of conclusive functional and genetic evidence.